The following is an entry in ClinVar:

ClinVar aggregate classification (germline): Likely pathogenic (1 of 4 stars; one submission).

Submission:

Labcorp Genetics (formerly Invitae), Labcorp
Classification: Likely pathogenic. Last evaluated: 2025-10-16. Review status: criteria provided, single submitter. Criteria: Invitae Variant Classification Sherloc (09022015). Collection method: clinical testing. Allele origin: germline.
Comment: This sequence change affects a donor splice site in intron 20 of the COL4A5 gene. It is expected to disrupt RNA splicing. Variants that disrupt the donor or acceptor splice site typically lead to a loss of protein function (PMID: 16199547), and loss-of-function variants in COL4A5 are known to be pathogenic (PMID: 9195222, 10752524, 14514738, 24854265, 26809805). This variant is not present in population databases (gnomAD no frequency). This variant has not been reported in the literature in individuals affected with COL4A5-related conditions. Algorithms developed to predict the effect of sequence changes on RNA splicing suggest that this variant may disrupt the consensus splice site. In summary, the currently available evidence indicates that the variant is pathogenic, but additional data are needed to prove that conclusively. Therefore, this variant has been classified as Likely Pathogenic.

Literature cited by the submitters: PubMed 16199547; PubMed 9195222; PubMed 10752524; PubMed 14514738; PubMed 24854265; PubMed 26809805.

NM_033380.3(COL4A5):c.1339+2T>C

Gene: COL4A5 (collagen type IV alpha 5 chain; plus strand). Cytogenetic location: Xq22.3.
Variant type: single nucleotide variant.
Coding change: c.1339+2T>C on transcript NM_033380.3 (MANE Select); the canonical splice donor site of the intron after coding-DNA position 1339, T replaced by C.
Molecular consequence: splice donor variant.
Genome position (GRCh38, 1-based): chrX:108,591,233, T>C. VCF-style: chrX-108591233-T-C. GRCh37 (hg19) VCF-style: chrX-107834463-T-C.
Other names: c.1339+2T>C (NM_000495.5).
Identifiers: ClinVar variation 4729357 (VCV004729357.1).